The following is an entry in ClinVar:

ClinVar aggregate classification (germline): Conflicting classifications of pathogenicity. Review status: criteria provided, conflicting classifications (1 of 4 stars). 3 submissions from 3 submitters: Likely pathogenic (2); Uncertain significance (1). Last evaluated 2024-03-12.

Conditions:
Marfan syndrome (MFS). Also called: Marfan syndrome, classic; Marfan syndrome type 1; Marfan's syndrome; MARFAN SYNDROME, TYPE I; FBN1-Related Marfan Syndrome. Identifiers: Orphanet 284963, Orphanet 558, MedGen C0024796, MONDO:0007947, OMIM 154700.
Familial thoracic aortic aneurysm and aortic dissection (TAAD). Also called: Thoracic aortic aneurysms and dissections. Identifiers: Orphanet 91387, MedGen C4707243, MONDO:0019625.
FBN1-related disorder. Also called: FBN1-related disorders.

Submissions (3):

Labcorp Genetics (formerly Invitae), Labcorp
Classification: Uncertain significance for Marfan syndrome; Familial thoracic aortic aneurysm and aortic dissection. Last evaluated: 2024-03-12. Review status: criteria provided, single submitter. Criteria: Invitae Variant Classification Sherloc (09022015). Collection method: clinical testing. Allele origin: germline.
Comment: This sequence change replaces glycine, which is neutral and non-polar, with valine, which is neutral and non-polar, at codon 1762 of the FBN1 protein (p.Gly1762Val). This variant is not present in population databases (gnomAD no frequency). This variant has not been reported in the literature in individuals affected with FBN1-related conditions. ClinVar contains an entry for this variant (Variation ID: 392910). Advanced modeling of protein sequence and biophysical properties (such as structural, functional, and spatial information, amino acid conservation, physicochemical variation, residue mobility, and thermodynamic stability) performed at Invitae indicates that this missense variant is expected to disrupt FBN1 protein function with a positive predictive value of 80%. This variant disrupts the p.Gly1762 amino acid residue in FBN1. Other variant(s) that disrupt this residue have been determined to be pathogenic (PMID: 21683322, 27935852, 29620724). This suggests that this residue is clinically significant, and that variants that disrupt this residue are likely to be disease-causing. In summary, the available evidence is currently insufficient to determine the role of this variant in disease. Therefore, it has been classified as a Variant of Uncertain Significance.

Blueprint Genetics
Classification: Likely pathogenic for FBN1-related disorders. Last evaluated: 2018-03-14. Review status: criteria provided, single submitter. Criteria: ACMG Guidelines, 2015. Collection method: clinical testing. Allele origin: germline. Affected: yes. Observed: 1 variant allele.

GeneDx
Classification: Likely pathogenic. Last evaluated: 2017-01-17. Review status: criteria provided, single submitter. Criteria: GeneDx Variant Classification (06012015). Collection method: clinical testing. Allele origin: germline. Affected: yes.
Comment: The G1762V variant in the FBN1 gene has not been reported previously as a pathogenic variant, nor as a benign variant, to our knowledge. However, a missense variant at this same codon, G1762S, has been reported in association with both geleophysic dysplasia and acromicric dysplasia, supporting the functional importance of this residue (Le Goff et al., 2011; Klein et al., 2014). The G1762V variant was not observed in approximately 6,500 individuals of European and African American ancestry in the NHLBI Exome Sequencing Project, indicating it is not a common benign variant in these populations. The G1762V variant is a conservative amino acid substitution, which is not likely to impact secondary protein structure as these residues share similar properties. This substitution occurs at a position that is conserved across species. In silico analysis predicts this variant is probably damaging to the protein structure/function. Therefore, we interpret G1762V as a likely pathogenic variant.

Literature cited by the submitters: PubMed 21683322 (cited by Labcorp Genetics (formerly Invitae), Labcorp); PubMed 27935852 (cited by Labcorp Genetics (formerly Invitae), Labcorp); PubMed 29620724 (cited by Labcorp Genetics (formerly Invitae), Labcorp).

NM_000138.5(FBN1):c.5285G>T (p.Gly1762Val)

Gene: FBN1 (fibrillin 1; minus strand). Cytogenetic location: 15q21.1.
Variant type: single nucleotide variant.
Coding change: c.5285G>T on transcript NM_000138.5 (MANE Select); coding-DNA position 5285, G replaced by T.
Protein change: p.Gly1762Val; replaces glycine 1762 with valine.
Molecular consequence: missense variant.
Genome position (GRCh38, 1-based): chr15:48,460,257, C>A on the plus strand (G>T on the coding strand, the complement: FBN1 is on the minus strand). VCF-style: chr15-48460257-C-A. GRCh37 (hg19) VCF-style: chr15-48752454-C-A.
Other names: short protein forms G1762V.
Identifiers: ClinVar variation 392910 (VCV000392910.5), dbSNP rs1057524697, ClinGen allele CA16607804.